The following is an entry in ClinVar:

ClinVar aggregate classification (germline): Uncertain significance. Review status: criteria provided, multiple submitters, no conflicts (2 of 4 stars). 2 submissions from 2 submitters: Uncertain significance (2). Last evaluated 2025-02-15.

Conditions:
Hereditary cancer-predisposing syndrome. Also called: Neoplastic Syndromes, Hereditary; Hereditary neoplastic syndrome; Hereditary Cancer Syndrome; Tumor predisposition. Identifiers: Orphanet 140162, MedGen C0027672, MeSH D009386, MONDO:0015356.
Gastrointestinal stromal tumor. Also called: Gastrointestinal stromal tumor, somatic; Gastrointestinal stroma tumor. Identifiers: Orphanet 44890, MedGen C0238198, MeSH D046152, MONDO:0011719, OMIM 606764, HP:0100723.

Allele frequency attached by ClinVar (database versions not stated): TOPMed below 0.00001.

Submissions (2):

Ambry Genetics
Classification: Uncertain significance for Hereditary cancer-predisposing syndrome. Last evaluated: 2025-02-15. Review status: criteria provided, single submitter. Criteria: Ambry Variant Classification Scheme 2023. Collection method: clinical testing. Allele origin: germline.
Comment: The p.Y988H variant (also known as c.2962T>C), located in coding exon 21 of the PDGFRA gene, results from a T to C substitution at nucleotide position 2962. The tyrosine at codon 988 is replaced by histidine, an amino acid with similar properties. This amino acid position is conserved. In addition, the in silico prediction for this alteration is inconclusive. Based on the available evidence, the clinical significance of this variant remains unclear.

Labcorp Genetics (formerly Invitae), Labcorp
Classification: Uncertain significance for Gastrointestinal stromal tumor. Last evaluated: 2023-10-19. Review status: criteria provided, single submitter. Criteria: Invitae Variant Classification Sherloc (09022015). Collection method: clinical testing. Allele origin: germline.
Comment: This sequence change replaces tyrosine, which is neutral and polar, with histidine, which is basic and polar, at codon 988 of the PDGFRA protein (p.Tyr988His). This variant is not present in population databases (gnomAD no frequency). This variant has not been reported in the literature in individuals affected with PDGFRA-related conditions. ClinVar contains an entry for this variant (Variation ID: 1958686). Advanced modeling of protein sequence and biophysical properties (such as structural, functional, and spatial information, amino acid conservation, physicochemical variation, residue mobility, and thermodynamic stability) performed at Invitae indicates that this missense variant is not expected to disrupt PDGFRA protein function. In summary, the available evidence is currently insufficient to determine the role of this variant in disease. Therefore, it has been classified as a Variant of Uncertain Significance.

NM_006206.6(PDGFRA):c.2962T>C (p.Tyr988His)

Gene: PDGFRA (platelet derived growth factor receptor alpha; plus strand). Cytogenetic location: 4q12.
Variant type: single nucleotide variant.
Coding change: c.2962T>C on transcript NM_006206.6 (MANE Select); coding-DNA position 2962, T replaced by C.
Protein change: p.Tyr988His; replaces tyrosine 988 with histidine.
Molecular consequence: missense variant.
Genome position (GRCh38, 1-based): chr4:54,290,394, T>C. VCF-style: chr4-54290394-T-C. GRCh37 (hg19) VCF-style: chr4-55156561-T-C.
Other names: c.3037T>C, p.Tyr1013His (NM_001347828.2); c.2962T>C, p.Tyr988His (NM_001347829.2); c.3001T>C, p.Tyr1001His (NM_001347830.2); short protein forms Y1001H, Y1013H, Y988H.
Identifiers: ClinVar variation 1958686 (VCV001958686.6), dbSNP rs1334321310, ClinGen allele CA356896077.
Genomic context (GRCh38, chr4:54,290,394, plus strand): 5'-GACTTCCTGAAGAGTGACCATCCTGCTGTGGCACGCATGCGTGTGGACTCAGACAATGCA[T>C]ACATTGGTGTCACCTACAAAAACGAGGAAGACAAGCTGAAGGACTGGGAGGGTGGTCTGG-3'
Protein context (NP_006197.1, residues 978-998): ARMRVDSDNA[Tyr988His]IGVTYKNEED